The following is an entry in ClinVar:

NM_031935.3(HMCN1):c.1691_1693del (p.Glu564_Pro565delinsAla)

Gene: HMCN1 (hemicentin 1; plus strand). Cytogenetic location: 1q31.1.
Variant type: Deletion.
Coding change: c.1691_1693del on transcript NM_031935.3 (MANE Select); coding-DNA positions 1691 to 1693, 3 bases deleted (AGC; older notation c.1691_1693delAGC).
Protein change: p.Glu564_Pro565delinsAla.
Molecular consequence: inframe indel.
Genome position (GRCh38, 1-based): chr1:185,933,687-185,933,689, AGC deleted. VCF-style (leftmost placement, unchanged base first): chr1-185933686-GAGC-G. GRCh37 (hg19) VCF-style: chr1-185902818-GAGC-G.
Identifiers: ClinVar variation 3700914 (VCV003700914.2).

ClinVar aggregate classification (germline): Uncertain significance (1 of 4 stars; one submission).

Submission:

Labcorp Genetics (formerly Invitae), Labcorp
Classification: Uncertain significance. Last evaluated: 2024-12-12. Review status: criteria provided, single submitter. Criteria: Invitae Variant Classification Sherloc (09022015). Collection method: clinical testing. Allele origin: germline.
Comment: This variant, c.1691_1693del, is a complex sequence change that results in the deletion of 2 and insertion of 1 amino acid(s) in the HMCN1 protein (p.Glu564_Pro565delinsAla). This variant is not present in population databases (gnomAD no frequency). This variant has not been reported in the literature in individuals affected with HMCN1-related conditions. Experimental studies and prediction algorithms are not available or were not evaluated, and the functional significance of this variant is currently unknown. In summary, the available evidence is currently insufficient to determine the role of this variant in disease. Therefore, it has been classified as a Variant of Uncertain Significance.